The following is an entry in ClinVar:

ClinVar aggregate classification (germline): Uncertain significance (1 of 4 stars; one submission).

gnomAD v4.1: 1 of 1,614,180 alleles (0.000062%); highest among the groups gnomAD compares: East Asian, 0.0022%; no homozygotes.

Submission:

Labcorp Genetics (formerly Invitae), Labcorp
Classification: Uncertain significance. Last evaluated: 2026-01-18. Review status: criteria provided, single submitter. Criteria: Invitae Variant Classification Sherloc (09022015). Collection method: clinical testing. Allele origin: germline.
Comment: This sequence change replaces serine, which is neutral and polar, with glycine, which is neutral and non-polar, at codon 262 of the NLRP1 protein (p.Ser262Gly). This variant is not present in population databases (gnomAD no frequency). This variant has not been reported in the literature in individuals affected with NLRP1-related conditions. An algorithm developed to predict the effect of missense changes on protein structure and function (PolyPhen-2) suggests that this variant is likely to be tolerated. In summary, the available evidence is currently insufficient to determine the role of this variant in disease. Therefore, it has been classified as a Variant of Uncertain Significance.

NM_033004.4(NLRP1):c.784A>G (p.Ser262Gly)

Gene: NLRP1 (NLR family pyrin domain containing 1; minus strand). Cytogenetic location: 17p13.2.
Variant type: single nucleotide variant.
Coding change: c.784A>G on transcript NM_033004.4 (MANE Select); coding-DNA position 784, A replaced by G.
Protein change: p.Ser262Gly; replaces serine 262 with glycine.
Molecular consequence: missense variant.
Genome position (GRCh38, 1-based): chr17:5,559,912, T>C on the plus strand (A>G on the coding strand, the complement: NLRP1 is on the minus strand). VCF-style: chr17-5559912-T-C. GRCh37 (hg19) VCF-style: chr17-5463232-T-C.
Other names: c.784A>G, p.Ser262Gly (NM_001033053.3, NM_014922.5, NM_033006.4 and 1 more transcripts); short protein forms S262G.
Identifiers: ClinVar variation 4763177 (VCV004763177.1).